The following is an entry in ClinVar:

NM_002397.5(MEF2C):c.-142-333_-142-332insAG

Gene: MEF2C (myocyte enhancer factor 2C; minus strand). Cytogenetic location: 5q14.3.
Variant type: Insertion.
Coding change: c.-142-333_-142-332insAG on transcript NM_002397.5 (MANE Select); 333 bases into the intron before 142 bases upstream of the start codon through 332 bases into the intron before 142 bases upstream of the start codon, AG inserted.
Molecular consequence: intron variant.
Genome position: GRCh38 VCF-style: chr5-88824262-C-CCT. GRCh37 (hg19) VCF-style: chr5-88120079-C-CCT.
Other names: c.-139-336_-139-335insAG (NM_001364329.2, NM_001364333.2, NM_001193350.2 and 12 more transcripts); c.-142-333_-142-332insAG (NM_001364330.2, NM_001364344.2, NM_001308002.3 and 12 more transcripts); c.-140+47_-140+48insAG (NM_001363581.2).
Identifiers: ClinVar variation 684337 (VCV000684337.1), dbSNP rs10689049, ClinGen allele CA122618700.
Genomic context (GRCh38, chr5:88,824,262, plus strand): 5'-GTATTTTTTTTTGTAAAAAGTTTCCTAATCTTTTTAATGAAATTAGGTGACAATTTCACC[C>CCT]GTTATGAAAAATTACCTAAATCAGAGAGTTAATGAACCTTTATGTACCTGTGTATGCTAA-3'

ClinVar aggregate classification (germline): Benign (1 of 4 stars; one submission).

Allele frequency attached by ClinVar (database versions not stated): gnomAD 0.42466 and 0.42870; TOPMed 0.45238; 1000 Genomes Project 0.46585; 1000 Genomes Project 30x 0.47096.

Submission:

GeneDx
Classification: Benign. Last evaluated: 2018-06-18. Review status: criteria provided, single submitter. Criteria: GeneDx Variant Classification (06012015). Collection method: clinical testing. Allele origin: germline. Affected: yes.
Comment: This variant is considered likely benign or benign based on one or more of the following criteria: it is a conservative change, it occurs at a poorly conserved position in the protein, it is predicted to be benign by multiple in silico algorithms, and/or has population frequency not consistent with disease.